The following is an entry in ClinVar:

ClinVar aggregate classification (germline): Likely benign. Review status: criteria provided, multiple submitters, no conflicts (2 of 4 stars). 3 submissions from 3 submitters: Likely benign (2). 1 of the submissions does not count toward it. Last evaluated 2026-05-01.

Conditions:
MKRN3-related disorder. Also called: MKRN3-related condition.

Allele frequency attached by ClinVar (database versions not stated): gnomAD exomes 0.00006 and 0.00024; ESP Exome Variant Server 0.00008; ExAC 0.00011; 1000 Genomes Project 30x 0.00016; 1000 Genomes Project 0.00020; gnomAD 0.00048; TOPMed 0.00053.
gnomAD v4.1: 156 of 1,614,122 alleles (0.0097%); highest among the groups gnomAD compares: Admixed American, 0.21%; no homozygotes.

Submissions (3):

CeGaT Center for Human Genetics Tuebingen
Classification: Likely benign. Last evaluated: 2026-05-01. Review status: criteria provided, single submitter. Criteria: CeGaT Center For Human Genetics Tuebingen Variant Classification Criteria Version 2. Collection method: clinical testing. Allele origin: germline. Affected: yes. Observed: 2 variant alleles.
Comment: MKRN3: BP4, BP7

Labcorp Genetics (formerly Invitae), Labcorp
Classification: Likely benign. Last evaluated: 2019-12-31. Review status: criteria provided, single submitter. Criteria: Invitae Variant Classification Sherloc (09022015). Collection method: clinical testing. Allele origin: germline.

PreventionGenetics, part of Exact Sciences
Classification: Likely benign for MKRN3-related condition. Last evaluated: 2019-08-08. Review status: no assertion criteria provided. Collection method: clinical testing. Allele origin: germline. Not counted in ClinVar's aggregate classification.
Comment: This variant is classified as likely benign based on ACMG/AMP sequence variant interpretation guidelines (Richards et al. 2015 PMID: 25741868, with internal and published modifications).

NM_005664.4(MKRN3):c.357C>T (p.His119=)

Gene: MKRN3 (makorin ring finger protein 3; plus strand). Cytogenetic location: 15q11.2.
Variant type: single nucleotide variant.
Coding change: c.357C>T on transcript NM_005664.4 (MANE Select); coding-DNA position 357, C replaced by T.
Protein change: p.His119=; no amino-acid change (histidine 119 retained).
Molecular consequence: synonymous variant.
Genome position (GRCh38, 1-based): chr15:23,566,139, C>T. VCF-style: chr15-23566139-C-T. GRCh37 (hg19) VCF-style: chr15-23811286-C-T.
Identifiers: ClinVar variation 731888 (VCV000731888.20), dbSNP rs199845546, ClinGen allele CA7429335.